The following is an entry in ClinVar:

ClinVar aggregate classification (germline): Uncertain significance (1 of 4 stars; one submission).

Allele frequency attached by ClinVar (database versions not stated): gnomAD exomes below 0.00001.
gnomAD v4.1: 1 of 1,613,924 alleles (0.000062%); highest among the groups gnomAD compares: South Asian, 0.0011%; no homozygotes.

Submission:

Labcorp Genetics (formerly Invitae), Labcorp
Classification: Uncertain significance. Last evaluated: 2023-12-11. Review status: criteria provided, single submitter. Criteria: Invitae Variant Classification Sherloc (09022015). Collection method: clinical testing. Allele origin: germline.
Comment: This sequence change replaces threonine, which is neutral and polar, with lysine, which is basic and polar, at codon 467 of the PCLO protein (p.Thr467Lys). This variant is not present in population databases (gnomAD no frequency). This variant has not been reported in the literature in individuals affected with PCLO-related conditions. ClinVar contains an entry for this variant (Variation ID: 2117495). An algorithm developed to predict the effect of missense changes on protein structure and function (PolyPhen-2) suggests that this variant is likely to be disruptive. In summary, the available evidence is currently insufficient to determine the role of this variant in disease. Therefore, it has been classified as a Variant of Uncertain Significance.

NM_033026.6(PCLO):c.1400C>A (p.Thr467Lys)

Gene: PCLO (piccolo presynaptic cytomatrix protein; minus strand). Cytogenetic location: 7q21.11.
Variant type: single nucleotide variant.
Coding change: c.1400C>A on transcript NM_033026.6 (MANE Select); coding-DNA position 1400, C replaced by A.
Protein change: p.Thr467Lys; replaces threonine 467 with lysine.
Molecular consequence: missense variant.
Genome position (GRCh38, 1-based): chr7:83,155,241, G>T on the plus strand (C>A on the coding strand, the complement: PCLO is on the minus strand). VCF-style: chr7-83155241-G-T. GRCh37 (hg19) VCF-style: chr7-82784557-G-T.
Other names: c.1400C>A, p.Thr467Lys (NM_014510.3); short protein forms T467K.
Identifiers: ClinVar variation 2117495 (VCV002117495.4), dbSNP rs2116687977, ClinGen allele CA367914392.